The following is an entry in ClinVar:

ClinVar aggregate classification (germline): Uncertain significance (1 of 4 stars; one submission).

gnomAD v4.1: 1 of 1,111,665 alleles (0.00009%); highest among the groups gnomAD compares: African/African-American, 0.0018%; no homozygotes.

Submission:

GeneDx
Classification: Uncertain significance. Last evaluated: 2026-06-29. Review status: criteria provided, single submitter. Criteria: GeneDx Variant Classification Process June 2021. Collection method: clinical testing. Allele origin: germline.
Comment: Not observed at significant frequency in large population cohorts (gnomAD); Has not been previously published as pathogenic or benign to our knowledge; In silico analysis supports a deleterious effect on splicing

NM_000194.3(HPRT1):c.384+5G>T

Gene: HPRT1 (hypoxanthine phosphoribosyltransferase 1; plus strand). Cytogenetic location: Xq26.2.
Variant type: single nucleotide variant.
Coding change: c.384+5G>T on transcript NM_000194.3 (MANE Select); 5 bases into the intron after coding-DNA position 384, G replaced by T.
Molecular consequence: intron variant.
Genome position (GRCh38, 1-based): chrX:134,486,535, G>T. VCF-style: chrX-134486535-G-T. GRCh37 (hg19) VCF-style: chrX-133620565-G-T.
Identifiers: ClinVar variation 3367307 (VCV003367307.2).